The following is an entry in ClinVar:

ClinVar aggregate classification (germline): Uncertain significance (1 of 4 stars; one submission).

Conditions:
Cardiovascular phenotype. Identifiers: MedGen CN230736.

Submission:

Ambry Genetics
Classification: Uncertain significance for Cardiovascular phenotype. Last evaluated: 2023-10-26. Review status: criteria provided, single submitter. Criteria: Ambry Variant Classification Scheme 2023. Collection method: clinical testing. Allele origin: germline.
Comment: The p.S987C variant (also known as c.2960C>G), located in coding exon 24 of the RASA1 gene, results from a C to G substitution at nucleotide position 2960. The serine at codon 987 is replaced by cysteine, an amino acid with dissimilar properties. This amino acid position is conserved. In addition, this alteration is predicted to be tolerated by in silico analysis. Since supporting evidence is limited at this time, the clinical significance of this alteration remains unclear.

NM_002890.3(RASA1):c.2960C>G (p.Ser987Cys)

Genes: CCNH (cyclin H; minus strand), RASA1 (RAS p21 protein activator 1; plus strand). Cytogenetic location: 5q14.3.
Variant type: single nucleotide variant.
Coding change: c.2960C>G on transcript NM_002890.3 (MANE Select); coding-DNA position 2960, C replaced by G.
Protein change: p.Ser987Cys; replaces serine 987 with cysteine.
Molecular consequence: missense variant. On other transcripts: intron variant (1).
Genome position (GRCh38, 1-based): chr5:87,389,427, C>G. VCF-style: chr5-87389427-C-G. GRCh37 (hg19) VCF-style: chr5-86685244-C-G.
Other names: c.2429C>G, p.Ser810Cys (NM_022650.3); c.933+5617G>C (NM_001364075.2); short protein forms S810C, S987C.
Identifiers: ClinVar variation 3222916 (VCV003222916.1), dbSNP rs1762310950, ClinGen allele CA360388076.
Genomic context (GRCh38, chr5:87,389,427, plus strand): 5'-AATGCAATTTTACGATTCCCTTAAAGAATGTACCTGAACTTCCGGACACTACAGAGCATT[C>G]TAGAACGGACCTGTCCCGTGATTTAGCAGCATTGCATGAGATTTGCGTGGCTCATTCAGA-3'
Protein context (NP_002881.1, residues 977-997): VPELPDTTEH[Ser987Cys]RTDLSRDLAA